The following is an entry in ClinVar:

NM_020975.6(RET):c.1249C>G (p.Arg417Gly)

Gene: RET (ret proto-oncogene; plus strand). Cytogenetic location: 10q11.21.
Variant type: single nucleotide variant.
Coding change: c.1249C>G on transcript NM_020975.6 (MANE Select); coding-DNA position 1249, C replaced by G.
Protein change: p.Arg417Gly; replaces arginine 417 with glycine.
Molecular consequence: missense variant.
Genome position (GRCh38, 1-based): chr10:43,109,216, C>G. VCF-style: chr10-43109216-C-G. GRCh37 (hg19) VCF-style: chr10-43604664-C-G.
Other names: c.1249C>G, p.Arg417Gly (NM_000323.2, NM_001406743.1, NM_001406744.1 and 6 more transcripts); c.487C>G, p.Arg163Gly (NM_001355216.2); c.1120C>G, p.Arg374Gly (NM_001406761.1, NM_001406762.1, NM_001406764.1 and 1 more transcripts); c.961C>G, p.Arg321Gly (NM_001406766.1, NM_001406767.1, NM_001406770.1); c.811C>G, p.Arg271Gly (NM_001406771.1, NM_001406773.1); c.523C>G, p.Arg175Gly (NM_001406775.1, NM_001406776.1, NM_001406777.1 and 1 more transcripts); c.259C>G, p.Arg87Gly (NM_001406784.1); short protein forms R417G, R163G, R321G, R87G, R175G, R271G, R374G.
Identifiers: ClinVar variation 818706 (VCV000818706.16), dbSNP rs1478152005, ClinGen allele CA376548055.

ClinVar aggregate classification (germline): Uncertain significance. Review status: criteria provided, multiple submitters, no conflicts (2 of 4 stars). 3 submissions from 3 submitters: Uncertain significance (3). Last evaluated 2024-11-18.

Conditions:
Multiple endocrine neoplasia, type 2 (MEN2). Identifiers: Orphanet 653, MedGen C4048306, MONDO:0019003. Disease mechanism: gain of function.
Hereditary cancer-predisposing syndrome. Also called: Tumor predisposition; Hereditary neoplastic syndrome; Neoplastic Syndromes, Hereditary; Hereditary Cancer Syndrome. Identifiers: Orphanet 140162, MedGen C0027672, MeSH D009386, MONDO:0015356.

Allele frequency attached by ClinVar (database versions not stated): TOPMed 0.00001.

Submissions (3):

Labcorp Genetics (formerly Invitae), Labcorp
Classification: Uncertain significance for Multiple endocrine neoplasia, type 2. Last evaluated: 2024-11-18. Review status: criteria provided, single submitter. Criteria: Invitae Variant Classification Sherloc (09022015). Collection method: clinical testing. Allele origin: germline.
Comment: This sequence change replaces arginine, which is basic and polar, with glycine, which is neutral and non-polar, at codon 417 of the RET protein (p.Arg417Gly). This variant is not present in population databases (gnomAD no frequency). This variant has not been reported in the literature in individuals affected with RET-related conditions. ClinVar contains an entry for this variant (Variation ID: 818706). An algorithm developed to predict the effect of missense changes on protein structure and function (PolyPhen-2) suggests that this variant is likely to be tolerated. In summary, the available evidence is currently insufficient to determine the role of this variant in disease. Therefore, it has been classified as a Variant of Uncertain Significance.

Ambry Genetics
Classification: Uncertain significance for Hereditary cancer-predisposing syndrome. Last evaluated: 2024-03-26. Review status: criteria provided, single submitter. Criteria: Ambry Variant Classification Scheme 2023. Collection method: clinical testing. Allele origin: germline.
Comment: The p.R417G variant (also known as c.1249C>G), located in coding exon 6 of the RET gene, results from a C to G substitution at nucleotide position 1249. The arginine at codon 417 is replaced by glycine, an amino acid with dissimilar properties. This amino acid position is not well conserved in available vertebrate species. In addition, this alteration is predicted to be tolerated by in silico analysis. Since supporting evidence is limited at this time, the clinical significance of this alteration remains unclear.

All of Us Research Program, National Institutes of Health
Classification: Uncertain significance for Multiple endocrine neoplasia, type 2. Last evaluated: 2023-08-15. Review status: criteria provided, single submitter. Criteria: ACMG Guidelines, 2015. Collection method: clinical testing. Allele origin: germline. Inheritance: Autosomal dominant inheritance. Observed: 2 variant alleles, 2 heterozygotes.
Comment: This missense variant replaces arginine with glycine at codon 417 of the RET protein. Computational prediction suggests that this variant may not impact protein structure and function (internally defined REVEL score threshold <= 0.5, PMID: 27666373). To our knowledge, functional studies have not been reported for this variant. This variant has not been reported in individuals affected with RET-related disorders in the literature. This variant has not been identified in the general population by the Genome Aggregation Database (gnomAD). The available evidence is insufficient to determine the role of this variant in disease conclusively. Therefore, this variant is classified as a Variant of Uncertain Significance.

This study involves interpretation of variants in research participants for the purpose of population health screening. Participant phenotype was not available at the time of variant classification. Additional details can be found in publication PMID: 35346344, PMCID: PMC8962531